The following is an entry in ClinVar:

ClinVar aggregate classification (germline): Conflicting classifications of pathogenicity. Review status: criteria provided, conflicting classifications (1 of 4 stars). 4 submissions from 4 submitters: Uncertain significance (3); Likely benign (1). Last evaluated 2023-06-08.

Conditions:
Hereditary cancer-predisposing syndrome. Also called: Neoplastic Syndromes, Hereditary; Tumor predisposition; Hereditary Cancer Syndrome; Hereditary neoplastic syndrome. Identifiers: Orphanet 140162, MedGen C0027672, MeSH D009386, MONDO:0015356.
Breast-ovarian cancer, familial, susceptibility to, 2 (BROVCA2). Also called: BRCA2 Hereditary Breast and Ovarian Cancer. Identifiers: Orphanet 145, MedGen C2675520, MONDO:0012933, OMIM 612555. Disease mechanism: loss of function.

Allele frequency attached by ClinVar (database versions not stated): gnomAD 0.00001.

Submissions (4):

All of Us Research Program, National Institutes of Health
Classification: Uncertain significance for Breast-ovarian cancer, familial, susceptibility to, 2. Last evaluated: 2023-06-08. Review status: criteria provided, single submitter. Criteria: ACMG Guidelines, 2015. Collection method: clinical testing. Allele origin: germline. Inheritance: Autosomal dominant inheritance. Observed: 1 variant allele, 1 heterozygote.
Comment: This missense variant replaces glutamic acid with lysine at codon 1249 of the BRCA2 protein. Computational prediction suggests that this variant may not impact protein structure and function (internally defined REVEL score threshold <= 0.5, PMID: 27666373). To our knowledge, functional studies have not been reported for this variant. This variant has not been reported in individuals affected with hereditary cancer in the literature. This variant has been identified in 2/31394 chromosomes in the general population by the Genome Aggregation Database (gnomAD). The available evidence is insufficient to determine the role of this variant in disease conclusively. Therefore, this variant is classified as a Variant of Uncertain Significance.

This study involves interpretation of variants in research participants for the purpose of population health screening. Participant phenotype was not available at the time of variant classification. Additional details can be found in publication PMID: 35346344, PMCID: PMC8962531

University of Washington Department of Laboratory Medicine, University of Washington
Classification: Likely benign for Hereditary cancer-predisposing syndrome. Last evaluated: 2023-03-23. Review status: criteria provided, single submitter. Criteria: Dines et al. (Genet Med. 2020). Collection method: curation. Allele origin: germline.
Comment: Missense variant in a coldspot region where missense variants are very unlikely to be pathogenic (PMID:31911673).

BRCA2 exon 11 coldspot. Reclassification based on statistical prior probability.

Color Diagnostics, LLC DBA Color Health
Classification: Uncertain significance for Hereditary cancer-predisposing syndrome. Last evaluated: 2023-03-08. Review status: criteria provided, single submitter. Criteria: ACMG Guidelines, 2015. Collection method: clinical testing. Allele origin: germline.
Comment: This missense variant replaces glutamic acid with lysine at codon 1249 of the BRCA2 protein. Computational prediction suggests that this variant may not impact protein structure and function (internally defined REVEL score threshold <= 0.5, PMID: 27666373). To our knowledge, functional studies have not been reported for this variant. This variant has not been reported in individuals affected with hereditary cancer in the literature. This variant has been identified in 2/31394 chromosomes in the general population by the Genome Aggregation Database (gnomAD). The available evidence is insufficient to determine the role of this variant in disease conclusively. Therefore, this variant is classified as a Variant of Uncertain Significance.

Ambry Genetics
Classification: Uncertain significance for Hereditary cancer-predisposing syndrome. Last evaluated: 2022-07-12. Review status: criteria provided, single submitter. Criteria: Ambry Variant Classification Scheme 2023. Collection method: clinical testing. Allele origin: germline.
Comment: The p.E1249K variant (also known as c.3745G>A), located in coding exon 10 of the BRCA2 gene, results from a G to A substitution at nucleotide position 3745. The glutamic acid at codon 1249 is replaced by lysine, an amino acid with similar properties. This amino acid position is conserved. In addition, this alteration is predicted to be tolerated by in silico analysis. Since supporting evidence is limited at this time, the clinical significance of this alteration remains unclear.

NM_000059.4(BRCA2):c.3745G>A (p.Glu1249Lys)

Gene: BRCA2 (BRCA2 DNA repair associated; plus strand). Cytogenetic location: 13q13.1.
Variant type: single nucleotide variant.
Coding change: c.3745G>A on transcript NM_000059.4 (MANE Select); coding-DNA position 3745, G replaced by A.
Protein change: p.Glu1249Lys; replaces glutamic acid 1249 with lysine.
Molecular consequence: missense variant.
Genome position (GRCh38, 1-based): chr13:32,338,100, G>A. VCF-style: chr13-32338100-G-A. GRCh37 (hg19) VCF-style: chr13-32912237-G-A.
Other names: c.3745G>A, p.Glu1249Lys (NM_001406719.1, NM_001406720.1); short protein forms E1249K.
Identifiers: ClinVar variation 1734505 (VCV001734505.7), dbSNP rs1348655194, ClinGen allele CA387778162.